The following is an entry in ClinVar:

ClinVar aggregate classification (germline): Pathogenic. Review status: reviewed by expert panel (3 of 4 stars). 19 submissions from 19 submitters: Pathogenic (1). 18 of the submissions do not count toward it. Last evaluated 2016-09-08.

Conditions:
BRCA1-related disorder. Also called: BRCA1-related condition.
Breast-ovarian cancer, familial, susceptibility to, 1 (BROVCA1). Also called: BRCA1 Hereditary Breast and Ovarian Cancer; OVARIAN CANCER, SUSCEPTIBILITY TO. Identifiers: Orphanet 145, MedGen C2676676, MONDO:0011450, OMIM 604370. Disease mechanism: loss of function.
Hereditary cancer-predisposing syndrome. Also called: Hereditary Cancer Syndrome; Hereditary neoplastic syndrome; Neoplastic Syndromes, Hereditary; Tumor predisposition. Identifiers: Orphanet 140162, MedGen C0027672, MeSH D009386, MONDO:0015356.
Hereditary breast ovarian cancer syndrome. Also called: BRCA1- and BRCA2-Associated Hereditary Breast and Ovarian Cancer; Hereditary breast and ovarian cancer syndrome; Hereditary breast and ovarian cancer syndrome (HBOC); Breast and ovarian cancer; Hereditary breast and/or ovarian cancer syndrome; Hereditary breast and ovarian cancer. Identifiers: Orphanet 145, MedGen C0677776, MeSH D061325, MONDO:0003582. Disease mechanism: loss of function.

Submissions 1 to 10 of 19:

Evidence-based Network for the Interpretation of Germline Mutant Alleles (ENIGMA)
Classification: Pathogenic for Breast-ovarian cancer, familial, susceptibility to, 1. Last evaluated: 2016-09-08. Review status: reviewed by expert panel. Criteria: ENIGMA BRCA1/2 Classification Criteria (2015). Collection method: curation. Allele origin: germline.
Comment: Variant allele predicted to encode a truncated non-functional protein.

Labcorp Genetics (formerly Invitae), Labcorp
Classification: Pathogenic for Hereditary breast ovarian cancer syndrome. Last evaluated: 2026-01-20. Review status: criteria provided, single submitter. Criteria: Invitae Variant Classification Sherloc (09022015). Collection method: clinical testing. Allele origin: germline. Not counted in ClinVar's aggregate classification.
Comment: This sequence change creates a premature translational stop signal (p.Gln1420*) in the BRCA1 gene. It is expected to result in an absent or disrupted protein product. Loss-of-function variants in BRCA1 are known to be pathogenic (PMID: 20104584). This variant is not present in population databases (gnomAD no frequency). This premature translational stop signal has been observed in individual(s) with breast and/or ovarian cancer (PMID: 18627636, 21120943, 26306726). This variant is also known as c.4377C>T. ClinVar contains an entry for this variant (Variation ID: 55155). For these reasons, this variant has been classified as Pathogenic.

Dasa
Classification: Pathogenic for Breast-ovarian cancer, familial, susceptibility to, 1. Last evaluated: 2025-09-20. Review status: criteria provided, single submitter. Criteria: DASA Assertion Criteria. Collection method: clinical testing. Allele origin: germline. Not counted in ClinVar's aggregate classification.
Comment: NM_007294.4(BRCA1):c.4258C>T (p.Gln1420*) introduces a premature termination codon predicted to result in loss of normal protein function. Loss-of-function is an established mechanism of disease for this gene. This variant has been recurrently observed in individuals with Breast-ovarian cancer, familial, susceptibility to, 1 (PMID: 26306726; PMID: 29446198). Based on the available data, this variant is classified as pathogenic.

Ambry Genetics
Classification: Pathogenic for Hereditary cancer-predisposing syndrome. Last evaluated: 2025-03-08. Review status: criteria provided, single submitter. Criteria: Ambry Variant Classification Scheme 2023. Collection method: clinical testing. Allele origin: germline. Not counted in ClinVar's aggregate classification.
Comment: The p.Q1420* pathogenic mutation (also known as c.4258C>T), located in coding exon 11 of the BRCA1 gene, results from a C to T substitution at nucleotide position 4258. This changes the amino acid from a glutamine to a stop codon within coding exon 11. This mutation has been reported in multiple individuals with a personal and/or family history of breast and/or ovarian cancer (Thirthagiri E et al. Breast Cancer Res. 2008 Jul;10:R59; Minucci A et al. Expert Rev. Mol. Diagn. 2015 Aug;15:1383-403; Wen WX et al. J Med Genet, 2018 02;55:97-103; De Talhouet S et al. Sci Rep, 2020 04;10:7073; Dorling et al. N Engl J Med. 2021 02;384:428-439). Note, this variant is also referred to as 4377C>T in the literature. This variant is considered to be rare based on population cohorts in the Genome Aggregation Database (gnomAD). In addition to the clinical data presented in the literature, this alteration is expected to result in loss of function by premature protein truncation or nonsense-mediated mRNA decay. As such, this alteration is interpreted as a disease-causing mutation.

Women's Health and Genetics/Laboratory Corporation of America, LabCorp
Classification: Pathogenic for Hereditary breast ovarian cancer syndrome. Last evaluated: 2025-02-24. Review status: criteria provided, single submitter. Criteria: LabCorp Variant Classification Summary - May 2015. Collection method: clinical testing. Allele origin: germline. Not counted in ClinVar's aggregate classification.
Comment: Variant summary: BRCA1 c.4258C>T (p.Gln1420X) results in a premature termination codon, predicted to cause a truncation of the encoded protein or absence of the protein due to nonsense mediated decay, which are commonly known mechanisms for disease. The variant was absent in 251466 control chromosomes. c.4258C>T has been reported in the literature in individuals affected with Hereditary Breast And Ovarian Cancer Syndrome (e.g. Berchuck_1998, Caux-Moncoutier_2011, Concolino_2014, Thirthagiri_2008). These data indicate that the variant is likely to be associated with disease. To our knowledge, no experimental evidence demonstrating an impact on protein function has been reported. The following publications have been ascertained in the context of this evaluation (PMID: 21120943, 18627636, 24578176, 9796975, 24670361). ClinVar contains an entry for this variant (Variation ID: 55155). Based on the evidence outlined above, the variant was classified as pathogenic.

Color Diagnostics, LLC DBA Color Health
Classification: Pathogenic for Hereditary cancer-predisposing syndrome. Last evaluated: 2022-04-18. Review status: criteria provided, single submitter. Criteria: ACMG Guidelines, 2015. Collection method: clinical testing. Allele origin: germline. Not counted in ClinVar's aggregate classification.
Comment: This variant changes 1 nucleotide in exon 12 of the BRCA1 gene, creating a premature translation stop signal. This variant is expected to result in an absent or non-functional protein product. To our knowledge, functional studies have not been reported for this variant. This variant has been reported in individuals affected with breast and ovarian cancer (PMID: 18627636, 26306726; doi:10.1515/tjb.2019.0424). This variant has not been identified in the general population by the Genome Aggregation Database (gnomAD). Loss of BRCA1 function is a known mechanism of disease. Based on the available evidence, this variant is classified as Pathogenic.

Baylor Genetics
Classification: Pathogenic for Breast-ovarian cancer, familial, susceptibility to, 1. Last evaluated: 2022-03-01. Review status: criteria provided, single submitter. Criteria: ACMG Guidelines, 2015. Collection method: clinical testing. Allele origin: unknown. Not counted in ClinVar's aggregate classification.

GeneDx
Classification: Pathogenic. Last evaluated: 2022-01-04. Review status: criteria provided, single submitter. Criteria: GeneDx Variant Classification Process June 2021. Collection method: clinical testing. Allele origin: germline. Affected: yes. Not counted in ClinVar's aggregate classification.
Comment: Nonsense variant predicted to result in protein truncation or nonsense mediated decay in a gene for which loss-of-function is a known mechanism of disease; Observed in individuals with a personal or family history consistent with pathogenic variants in this gene (Thirthagiri 2008, Minucci 2015, Couch 2015); Not observed at significant frequency in large population cohorts (gnomAD); Truncating variants in this gene are considered pathogenic by a well-established clinical consortium and/or database; Also known as 4377C>T; This variant is associated with the following publications: (PMID: 9796975, 25452441, 25525159, 18627636, 26306726, 29446198, 32341426, 28993434, 30702160)

Sema4
Classification: Pathogenic for Hereditary cancer-predisposing syndrome. Last evaluated: 2021-11-22. Review status: criteria provided, single submitter. Criteria: Sema4 Curation Guidelines. Collection method: curation. Allele origin: germline. Not counted in ClinVar's aggregate classification.
Comment: The BRCA1 c.4258C>T (p.Q1420X) variant has been reported in heterozygosity in multiple individuals with breast or ovarian cancer (PMID: 18627636, 26306726, 29446198, 30702160, 21120943). It is also known as 4377C>T in the literature. This nonsense variant creates a premature stop codon at residue 1420 of the BRCA1 protein. At this location, nonsense-mediated decay is predicted to occur, resulting in a loss of gene function. Loss of function variants in BRCA1 are known to be pathogenic (PMID: 29446198). This variant is not reported in the population database Genome Aggregation Database (PMID: 32461654), but has been reported in ClinVar (Variation ID: 55155). Based on the current evidence available, this variant is interpreted as pathogenic.

Blueprint Genetics
Classification: Pathogenic for BRCA1-related disorders. Last evaluated: 2021-08-24. Review status: criteria provided, single submitter. Criteria: ACMG Guidelines, 2015. Collection method: clinical testing. Allele origin: germline. Affected: yes. Observed: 1 variant allele. Not counted in ClinVar's aggregate classification.

NM_007294.4(BRCA1):c.4258C>T (p.Gln1420Ter)

Gene: BRCA1 (BRCA1 DNA repair associated; minus strand). Cytogenetic location: 17q21.31.
Variant type: single nucleotide variant.
Coding change: c.4258C>T on transcript NM_007294.4 (MANE Select); coding-DNA position 4258, C replaced by T.
Protein change: p.Gln1420Ter; replaces glutamine 1420 with a stop codon.
Molecular consequence: nonsense. On other transcripts: non-coding transcript variant (1).
Genome position (GRCh38, 1-based): chr17:43,082,503, G>A on the plus strand (C>T on the coding strand, the complement: BRCA1 is on the minus strand). VCF-style: chr17-43082503-G-A. GRCh37 (hg19) VCF-style: chr17-41234520-G-A.
Other names: 4377C>T; c.4258C>T, p.Gln1420Ter (NM_001407616.1, NM_001407617.1, NM_001407618.1 and 23 more transcripts); c.4255C>T, p.Gln1419Ter (NM_001407624.1, NM_001407625.1, NM_001407635.1 and 21 more transcripts); c.4252C>T, p.Gln1418Ter (NM_001407644.1, NM_001407645.1, NM_001407627.1 and 5 more transcripts); c.4132C>T, p.Gln1378Ter (NM_001407676.1, NM_001407681.1, NM_001407682.1 and 12 more transcripts); c.4135C>T, p.Gln1379Ter (NM_001407677.1, NM_001407678.1, NM_001407679.1 and 13 more transcripts); c.4129C>T, p.Gln1377Ter (NM_001407685.1, NM_001407686.1, NM_001407687.1 and 2 more transcripts); c.4117C>T, p.Gln1373Ter (NM_001407696.1, NM_001407697.1, NM_001407698.1 and 23 more transcripts); and 52 more; short protein forms Q1420*, Q317*, Q1373*, Q1251*, Q1308*, Q1330*, Q1379*, Q1418*.
Identifiers: ClinVar variation 55155 (VCV000055155.46), dbSNP rs80357305, ClinGen allele CA002737.